The following is an entry in ClinVar:

NM_003611.3(OFD1):c.1490A>G (p.His497Arg)

Gene: OFD1 (OFD1 centriole and centriolar satellite protein; plus strand). Cytogenetic location: Xp22.2.
Variant type: single nucleotide variant.
Coding change: c.1490A>G on transcript NM_003611.3 (MANE Select); coding-DNA position 1490, A replaced by G.
Protein change: p.His497Arg; replaces histidine 497 with arginine.
Molecular consequence: missense variant.
Genome position (GRCh38, 1-based): chrX:13,757,738, A>G. VCF-style: chrX-13757738-A-G. GRCh37 (hg19) VCF-style: chrX-13775857-A-G.
Other names: c.1370A>G, p.His457Arg (NM_001330209.2); c.1070A>G, p.His357Arg (NM_001330210.2); short protein forms H497R, H357R, H457R.
Identifiers: ClinVar variation 1773765 (VCV001773765.3), dbSNP rs772474080, ClinGen allele CA412343131.

ClinVar aggregate classification (germline): Uncertain significance. Review status: criteria provided, multiple submitters, no conflicts (2 of 4 stars). 2 submissions from 2 submitters: Uncertain significance (2). Last evaluated 2022-10-02.

Conditions:
Primary ciliary dyskinesia. Also called: Ciliary dyskinesia. Identifiers: Orphanet 244, MedGen C0008780, MONDO:0016575, HP:0012265.

Allele frequency attached by ClinVar (database versions not stated): gnomAD 0.00002.
gnomAD v4.1: 2 of 1,208,960 alleles (0.00017%); highest among the groups gnomAD compares: Non-Finnish European, 0.00022%; no homozygotes.

Submissions (2):

Ambry Genetics
Classification: Uncertain significance for Primary ciliary dyskinesia. Last evaluated: 2022-10-02. Review status: criteria provided, single submitter. Criteria: Ambry Variant Classification Scheme 2023. Collection method: clinical testing. Allele origin: germline.
Comment: The p.H497R variant (also known as c.1490A>G), located in coding exon 14 of the OFD1 gene, results from an A to G substitution at nucleotide position 1490. The histidine at codon 497 is replaced by arginine, an amino acid with highly similar properties. This amino acid position is conserved. In addition, this alteration is predicted to be tolerated by in silico analysis. Since supporting evidence is limited at this time, the clinical significance of this alteration remains unclear.

Blueprint Genetics
Classification: Uncertain significance. Last evaluated: 2022-01-07. Review status: criteria provided, single submitter. Criteria: ACMG Guidelines, 2015. Collection method: clinical testing. Allele origin: germline.